The following is an entry in ClinVar:

ClinVar aggregate classification (germline): Benign. Review status: criteria provided, multiple submitters, no conflicts (2 of 4 stars). 4 submissions from 4 submitters: Benign (3). 1 of the submissions does not count toward it. Last evaluated 2026-01-26.

Conditions:
RAI1-related disorder. Also called: RAI1-related condition.

Allele frequency attached by ClinVar (database versions not stated): 1000 Genomes Project 0.00060; gnomAD 0.00011 and 0.00001; TOPMed 0.00003; 1000 Genomes Project 30x 0.00047.
gnomAD v4.1: 190 of 1,613,284 alleles (0.012%); highest among the groups gnomAD compares: South Asian, 0.19%; 5 homozygotes.

Submissions (4):

Labcorp Genetics (formerly Invitae), Labcorp
Classification: Benign. Last evaluated: 2026-01-26. Review status: criteria provided, single submitter. Criteria: Invitae Variant Classification Sherloc (09022015). Collection method: clinical testing. Allele origin: germline.

GeneDx
Classification: Benign. Last evaluated: 2020-08-04. Review status: criteria provided, single submitter. Criteria: GeneDx Variant Classification Process June 2021. Collection method: clinical testing. Allele origin: germline. Affected: yes.

Genetic Services Laboratory, University of Chicago
Classification: Benign. Last evaluated: 2017-11-10. Review status: criteria provided, single submitter. Criteria: ACMG Guidelines, 2015. Collection method: clinical testing. Allele origin: germline. Affected: no.

PreventionGenetics, part of Exact Sciences
Classification: Likely benign for RAI1-related condition. Last evaluated: 2021-04-06. Review status: no assertion criteria provided. Collection method: clinical testing. Allele origin: germline. Not counted in ClinVar's aggregate classification.
Comment: This variant is classified as likely benign based on ACMG/AMP sequence variant interpretation guidelines (Richards et al. 2015 PMID: 25741868, with internal and published modifications).

NM_030665.4(RAI1):c.5652C>T (p.Ser1884=)

Gene: RAI1 (retinoic acid induced 1; plus strand). Cytogenetic location: 17p11.2.
Variant type: single nucleotide variant.
Coding change: c.5652C>T on transcript NM_030665.4 (MANE Select); coding-DNA position 5652, C replaced by T.
Protein change: p.Ser1884=; no amino-acid change (serine 1884 retained).
Molecular consequence: synonymous variant.
Genome position (GRCh38, 1-based): chr17:17,803,842, C>T. VCF-style: chr17-17803842-C-T. GRCh37 (hg19) VCF-style: chr17-17707156-C-T.
Identifiers: ClinVar variation 1250361 (VCV001250361.15), dbSNP rs567884332, ClinGen allele CA8419234.